The following is an entry in ClinVar:

NM_000426.4(LAMA2):c.3799_3821del (p.Phe1267fs)

Gene: LAMA2 (laminin subunit alpha 2; plus strand). Cytogenetic location: 6q22.33.
Variant type: Deletion.
Coding change: c.3799_3821del on transcript NM_000426.4 (MANE Select); coding-DNA positions 3799 to 3821, 23 bases deleted (TTCTCTACATATAATCCTCAAGT).
Protein change: p.Phe1267fs; shifts the reading frame from phenylalanine 1267.
Molecular consequence: frameshift variant.
Genome position (GRCh38, 1-based): chr6:129,315,825-129,315,847, TTCTCTACATATAATCCTCAAGT deleted; deleting any 23 consecutive bases within chr6:129,315,823-129,315,847 gives the same sequence; the c. name uses the placement nearest the transcript's 3' end. VCF-style (leftmost placement, unchanged base first): chr6-129315822-GGTTTCTCTACATATAATCCTCAA-G. GRCh37 (hg19) VCF-style: chr6-129636967-GGTTTCTCTACATATAATCCTCAA-G.
Other names: c.3799_3821del23 (NM_000426.3); c.3799_3821delTTCTCTACATATAATCCTCAAGT (NM_000426.3); c.3799_3821del, p.Phe1267fs (NM_001079823.2); short protein forms F1267fs.
Identifiers: ClinVar variation 280520 (VCV000280520.22), dbSNP rs750220830, ClinGen allele CA3993364.
Genomic context (GRCh38, chr6:129,315,822, plus strand): 5'-TTGATGGCCTATGGGGGCAAACTCAAGTATGCAATCTATTTCGAGGCTCGGGAAGAAACA[GGTTTCTCTACATATAATCCTCAA>G]GTGATCATTCGAGGTGGGACACCTACTCATGCTAGAATTATCGTCAGGCATATGGCTGCT-3'

ClinVar aggregate classification (germline): Pathogenic. Review status: criteria provided, multiple submitters, no conflicts (2 of 4 stars). 7 submissions from 7 submitters: Pathogenic (6). 1 of the submissions does not count toward it. Last evaluated 2025-11-04.

Conditions:
Muscular dystrophy, limb-girdle, autosomal recessive 23. Identifiers: Orphanet 565837, MedGen C4748327, MONDO:0029136, OMIM 618138.
Merosin deficient congenital muscular dystrophy (MDC1A). Also called: Congenital merosin-deficient muscular dystrophy 1A; Congenital Muscular Dystrophy Type 1A (MDC1A). Identifiers: Orphanet 258, MedGen C1263858, MONDO:0011925, OMIM 607855.
LAMA2-related disorder. Also called: LAMA2-related condition; LAMA2-related disorders.
LAMA2-related muscular dystrophy (LAMA2-RD). Also called: Laminin alpha 2-related dystrophy. Identifiers: MedGen C5679788, MONDO:0100228.

Submissions (7):

Labcorp Genetics (formerly Invitae), Labcorp
Classification: Pathogenic for LAMA2-related muscular dystrophy. Last evaluated: 2025-11-04. Review status: criteria provided, single submitter. Criteria: Invitae Variant Classification Sherloc (09022015). Collection method: clinical testing. Allele origin: germline.
Comment: This sequence change creates a premature translational stop signal (p.Phe1267Aspfs*11) in the LAMA2 gene. It is expected to result in an absent or disrupted protein product. Loss-of-function variants in LAMA2 are known to be pathogenic (PMID: 18700894, 32904964). This variant is present in population databases (rs750220830, gnomAD 0.004%). This premature translational stop signal has been observed in individuals with merosin deficient congenital muscular dystrophy 1A (PMID: 20207543). ClinVar contains an entry for this variant (Variation ID: 280520). For these reasons, this variant has been classified as Pathogenic.

Fulgent Genetics
Classification: Pathogenic for Merosin deficient congenital muscular dystrophy; Muscular dystrophy, limb-girdle, autosomal recessive 23. Last evaluated: 2024-05-27. Review status: criteria provided, single submitter. Criteria: ACMG Guidelines, 2015. Collection method: clinical testing. Allele origin: germline.

GeneDx
Classification: Pathogenic. Last evaluated: 2024-04-30. Review status: criteria provided, single submitter. Criteria: GeneDx Variant Classification Process June 2021. Collection method: clinical testing. Allele origin: germline. Affected: yes.
Comment: Published functional studies demonstrate a damaging effect on LAMA2 expression, leading to complete absence of merosin on muscle staining (PMID: 17765811, 20207543); Frameshift variant predicted to result in protein truncation or nonsense mediated decay in a gene for which loss of function is a known mechanism of disease; Not observed at significant frequency in large population cohorts (gnomAD); Also known as p.V1274fsX11; This variant is associated with the following publications: (PMID: 17765811, 20207543, 30055037, 37476021)

Baylor Genetics
Classification: Pathogenic for Merosin deficient congenital muscular dystrophy. Last evaluated: 2024-03-03. Review status: criteria provided, single submitter. Criteria: ACMG Guidelines, 2015. Collection method: clinical testing. Allele origin: unknown.

Blueprint Genetics
Classification: Pathogenic for LAMA2-related disorders. Last evaluated: 2023-12-22. Review status: criteria provided, single submitter. Criteria: ACMG Guidelines, 2015. Collection method: clinical testing. Allele origin: germline. Affected: yes. Observed: 1 variant allele.

Revvity Omics, Revvity
Classification: Pathogenic. Last evaluated: 2019-05-01. Review status: criteria provided, single submitter. Criteria: ACMG Guidelines, 2015. Collection method: clinical testing. Allele origin: germline.

Counsyl
Classification: Pathogenic for Merosin deficient congenital muscular dystrophy. Last evaluated: 2017-10-18. Review status: no assertion criteria provided. Collection method: clinical testing. Allele origin: unknown. Not counted in ClinVar's aggregate classification.

Literature cited by the submitters: PubMed 18700894 (cited by Labcorp Genetics (formerly Invitae), Labcorp); PubMed 32904964 (cited by Labcorp Genetics (formerly Invitae), Labcorp); PubMed 20207543 (cited by Labcorp Genetics (formerly Invitae), Labcorp and Counsyl).